The following is an entry in ClinVar:

ClinVar aggregate classification (germline): Conflicting classifications of pathogenicity. Review status: criteria provided, conflicting classifications (1 of 4 stars). 2 submissions from 2 submitters: Likely pathogenic (1); Uncertain significance (1). Last evaluated 2026-07-22.

Conditions:
Hereditary cancer-predisposing syndrome. Also called: Neoplastic Syndromes, Hereditary; Hereditary neoplastic syndrome; Hereditary Cancer Syndrome; Tumor predisposition. Identifiers: Orphanet 140162, MedGen C0027672, MeSH D009386, MONDO:0015356.
Hereditary breast ovarian cancer syndrome. Also called: Hereditary breast and/or ovarian cancer syndrome; BRCA1- and BRCA2-Associated Hereditary Breast and Ovarian Cancer; Hereditary breast and ovarian cancer syndrome; Breast and ovarian cancer; Hereditary breast and ovarian cancer; Hereditary breast and ovarian cancer syndrome (HBOC). Identifiers: Orphanet 145, MedGen C0677776, MeSH D061325, MONDO:0003582. Disease mechanism: loss of function.

Submissions (2):

Ambry Genetics
Classification: Likely pathogenic for Hereditary cancer-predisposing syndrome. Last evaluated: 2026-07-22. Review status: criteria provided, single submitter. Criteria: Ambry Variant Classification Scheme 2023. Collection method: clinical testing. Allele origin: germline.
Comment: The c.7976+3A>C intronic variant results from an A to C substitution 3 nucleotides after coding exon 16 in the BRCA2 gene. This nucleotide position is well conserved in available vertebrate species. In silico splice site analysis predicts that this alteration will weaken the native splice donor site. RNA studies have demonstrated that this variant results in abnormal splicing in the set of samples tested (Ambry internal data). The results from two saturation genome editing-based studies, including a haploid cell-survival assay and a humanized mouse embryonic stem cell line assay of drug response and survival, are discordant for this nucleotide substitution (Huang H et al. Nature. 2025 Feb;638(8050):528-537; Sahu S et al. Nature. 2025 Feb;638(8050):538-545). This variant is considered to be rare based on population cohorts in the Genome Aggregation Database (gnomAD). Based on the majority of available evidence to date, this variant is likely to be pathogenic.

Labcorp Genetics (formerly Invitae), Labcorp
Classification: Uncertain significance for Hereditary breast ovarian cancer syndrome. Last evaluated: 2019-12-30. Review status: criteria provided, single submitter. Criteria: Invitae Variant Classification Sherloc (09022015). Collection method: clinical testing. Allele origin: germline.
Comment: In summary, the available evidence is currently insufficient to determine the role of this variant in disease. Therefore, it has been classified as a Variant of Uncertain Significance. Nucleotide substitutions within the consensus splice site are a relatively common cause of aberrant splicing (PMID: 17576681, 9536098). Algorithms developed to predict the effect of sequence changes on RNA splicing suggest that this variant is not likely to affect RNA splicing, but this prediction has not been confirmed by published transcriptional studies. This variant has not been reported in the literature in individuals with BRCA2-related conditions. ClinVar contains an entry for this variant (Variation ID: 441337). This variant is not present in population databases (ExAC no frequency). This sequence change falls in intron 17 of the BRCA2 gene. It does not directly change the encoded amino acid sequence of the BRCA2 protein, but it affects a nucleotide within the consensus splice site of the intron.

Literature cited by the submitters: PubMed 39779848 (cited by Ambry Genetics); PubMed 39779857 (cited by Ambry Genetics); PubMed 17576681 (cited by Labcorp Genetics (formerly Invitae), Labcorp); PubMed 9536098 (cited by Labcorp Genetics (formerly Invitae), Labcorp).

NM_000059.4(BRCA2):c.7976+3A>C

Gene: BRCA2 (BRCA2 DNA repair associated; plus strand). Cytogenetic location: 13q13.1.
Variant type: single nucleotide variant.
Coding change: c.7976+3A>C on transcript NM_000059.4 (MANE Select); 3 bases into the intron after coding-DNA position 7976, A replaced by C.
Molecular consequence: intron variant.
Genome position (GRCh38, 1-based): chr13:32,362,696, A>C. VCF-style: chr13-32362696-A-C. GRCh37 (hg19) VCF-style: chr13-32936833-A-C.
Identifiers: ClinVar variation 441337 (VCV000441337.17), dbSNP rs1555286878, ClinGen allele CA658653813.
Genomic context (GRCh38, chr13:32,362,696, plus strand): 5'-AGGAATTTGCTAATAGATGCCTAAGCCCAGAAAGGGTGCTTCTTCAACTAAAATACAGGC[A>C]AGTTTAAAGCATTACATTACGTAATCATATACGGCAGTATGGTTAAGGTTTCTGTGTAGT-3'